The following is an entry in ClinVar:

NM_018180.3(DHX32):c.2110A>G (p.Ser704Gly)

Genes: BCCIP (BRCA2 and CDKN1A interacting protein; plus strand), DHX32 (DEAH-box helicase 32 (putative); minus strand). Cytogenetic location: 10q26.2.
Variant type: single nucleotide variant.
Coding change: c.2110A>G on transcript NM_018180.3 (MANE Select); coding-DNA position 2110, A replaced by G.
Protein change: p.Ser704Gly; replaces serine 704 with glycine.
Molecular consequence: missense variant. On other transcripts: intron variant (2).
Genome position (GRCh38, 1-based): chr10:125,836,809, T>C on the plus strand (A>G on the coding strand, the complement: DHX32 is on the minus strand). VCF-style: chr10-125836809-T-C. GRCh37 (hg19) VCF-style: chr10-127525378-T-C.
Other names: c.774+2863T>C (NM_016567.4, NM_078469.3); short protein forms S704G.
Identifiers: ClinVar variation 2026885 (VCV002026885.4), dbSNP rs2494359849, ClinGen allele CA378671472.

ClinVar aggregate classification (germline): Uncertain significance (1 of 4 stars; one submission).

Submission:

Labcorp Genetics (formerly Invitae), Labcorp
Classification: Uncertain significance. Last evaluated: 2022-08-24. Review status: criteria provided, single submitter. Criteria: Invitae Variant Classification Sherloc (09022015). Collection method: clinical testing. Allele origin: germline.
Comment: In summary, the available evidence is currently insufficient to determine the role of this variant in disease. Therefore, it has been classified as a Variant of Uncertain Significance. Algorithms developed to predict the effect of missense changes on protein structure and function are either unavailable or do not agree on the potential impact of this missense change (SIFT: "Deleterious"; PolyPhen-2: "Probably Damaging"; Align-GVGD: "Class C0"). This variant has not been reported in the literature in individuals affected with DHX32-related conditions. This variant is not present in population databases (gnomAD no frequency). This sequence change replaces serine, which is neutral and polar, with glycine, which is neutral and non-polar, at codon 704 of the DHX32 protein (p.Ser704Gly).